The following is an entry in ClinVar:

NM_000112.4(SLC26A2):c.1798T>C (p.Tyr600His)

Gene: SLC26A2 (solute carrier family 26 member 2; plus strand). Cytogenetic location: 5q32.
Variant type: single nucleotide variant.
Coding change: c.1798T>C on transcript NM_000112.4 (MANE Select); coding-DNA position 1798, T replaced by C.
Protein change: p.Tyr600His; replaces tyrosine 600 with histidine.
Molecular consequence: missense variant.
Genome position (GRCh38, 1-based): chr5:149,981,391, T>C. VCF-style: chr5-149981391-T-C. GRCh37 (hg19) VCF-style: chr5-149360954-T-C.
Other names: short protein forms Y600H.
Identifiers: ClinVar variation 64384 (VCV000064384.2), dbSNP rs387907492, ClinGen allele CA216022.

ClinVar aggregate classification (germline): Uncertain significance (0 of 4 stars; one submission).

Submission:

Martin Pollak Laboratory,  Beth Israel Deaconess Medical Center
Classification: Uncertain significance. Review status: no assertion criteria provided. Collection method: not provided. Allele origin: unknown.
Comment: Lower UCa2+ group
ClinVar note: Converted during submission from unknown to Uncertain significance.